The following is an entry in ClinVar:

NM_001242896.3(DEPDC5):c.233G>C (p.Arg78Pro)

Gene: DEPDC5 (DEP domain containing 5, GATOR1 subcomplex subunit; plus strand). Cytogenetic location: 22q12.2.
Variant type: single nucleotide variant.
Coding change: c.233G>C on transcript NM_001242896.3 (MANE Select); coding-DNA position 233, G replaced by C.
Protein change: p.Arg78Pro; replaces arginine 78 with proline.
Molecular consequence: missense variant. On other transcripts: non-coding transcript variant (5).
Genome position (GRCh38, 1-based): chr22:31,765,014, G>C. VCF-style: chr22-31765014-G-C. GRCh37 (hg19) VCF-style: chr22-32161000-G-C.
Other names: c.233G>C, p.Arg78Pro (NM_001007188.4, NM_001136029.4, NM_001242897.2 and 9 more transcripts); short protein forms R78P.
Identifiers: ClinVar variation 534797 (VCV000534797.12), dbSNP rs373578854, ClinGen allele CA10195880.

ClinVar aggregate classification (germline): Conflicting classifications of pathogenicity. Review status: criteria provided, conflicting classifications (1 of 4 stars). 3 submissions from 3 submitters: Uncertain significance (2); Likely benign (1). Last evaluated 2025-12-30.

Conditions:
Inborn genetic diseases. Identifiers: MedGen C0950123, MeSH D030342.
Familial focal epilepsy with variable foci (FPEVF). Identifiers: Orphanet 98820, MedGen C1858477, MONDO:0020310.

Allele frequency attached by ClinVar (database versions not stated): gnomAD 0.00007 and 0.00008; TOPMed 0.00009; ESP Exome Variant Server 0.00017.
gnomAD v4.1: 212 of 1,613,972 alleles (0.013%); highest among the groups gnomAD compares: Non-Finnish European, 0.017%; no homozygotes.

Submissions (3):

Labcorp Genetics (formerly Invitae), Labcorp
Classification: Uncertain significance for Familial focal epilepsy with variable foci. Last evaluated: 2025-12-30. Review status: criteria provided, single submitter. Criteria: Invitae Variant Classification Sherloc (09022015). Collection method: clinical testing. Allele origin: germline.
Comment: This sequence change replaces arginine, which is basic and polar, with proline, which is neutral and non-polar, at codon 78 of the DEPDC5 protein (p.Arg78Pro). This variant is present in population databases (rs373578854, gnomAD 0.01%). This variant has not been reported in the literature in individuals affected with DEPDC5-related conditions. ClinVar contains an entry for this variant (Variation ID: 534797). Experimental studies and prediction algorithms are not available or were not evaluated, and the functional significance of this variant is currently unknown. In summary, the available evidence is currently insufficient to determine the role of this variant in disease. Therefore, it has been classified as a Variant of Uncertain Significance.

GeneDx
Classification: Uncertain significance. Last evaluated: 2024-01-29. Review status: criteria provided, single submitter. Criteria: GeneDx Variant Classification Process June 2021. Collection method: clinical testing. Allele origin: germline. Affected: yes.
Comment: Reported as a germline variant in a resected brain sample from at least one patient with focal cortical dysplasia and epilepsy in published literature (PMID: 36226386); Reported in a patient with language impairment who also harbored variants in several other genes (PMID: 28440294); In silico analysis supports that this missense variant has a deleterious effect on protein structure/function; This variant is associated with the following publications: (PMID: 36226386, 28440294)

Ambry Genetics
Classification: Likely benign for Inborn genetic diseases. Last evaluated: 2019-02-21. Review status: criteria provided, single submitter. Criteria: Ambry Variant Classification Scheme 2023. Collection method: clinical testing. Allele origin: germline.